The following is an entry in ClinVar:

NM_001042424.3(NSD2):c.394dup (p.Tyr132fs)

Gene: NSD2 (nuclear receptor binding SET domain protein 2; plus strand). Cytogenetic location: 4p16.3.
Variant type: Duplication.
Coding change: c.394dup on transcript NM_001042424.3 (MANE Select); coding-DNA position 394, one base duplicated (T; older notation c.394dupT).
Protein change: p.Tyr132fs; shifts the reading frame from tyrosine 132.
Molecular consequence: frameshift variant.
Genome position (GRCh38, 1-based): chr4:1,901,048, T duplicated. VCF-style (leftmost placement, unchanged base first): chr4-1901047-A-AT. GRCh37 (hg19) VCF-style: chr4-1902774-A-AT.
Other names: c.394dup, p.Tyr132fs (NM_007331.2, NM_133330.3, NM_133331.3 and 1 more transcripts); c.394dup, p.Tyr132Leufs (NM_133334.3); short protein forms Y132fs.
Identifiers: ClinVar variation 3922022 (VCV003922022.1).

ClinVar aggregate classification (germline): Pathogenic (1 of 4 stars; one submission).

Conditions:
Inborn genetic diseases. Identifiers: MedGen C0950123, MeSH D030342.

Submission:

Ambry Genetics
Classification: Pathogenic for Inborn genetic diseases. Last evaluated: 2025-03-21. Review status: criteria provided, single submitter. Criteria: Ambry Variant Classification Scheme 2023. Collection method: clinical testing. Allele origin: germline.
Comment: The c.394dupT (p.Y132Lfs*9) alteration, located in exon 4 (coding exon 1) of the WHSC1 gene, consists of a duplication of T at position 394, causing a translational frameshift with a predicted alternate stop codon after 9 amino acids. This alteration is expected to result in loss of function by premature protein truncation or nonsense-mediated mRNA decay. This variant was not reported in population-based cohorts in the Genome Aggregation Database (gnomAD). Based on the available evidence, this alteration is classified as pathogenic.